The following is an entry in ClinVar:

ClinVar aggregate classification (germline): Likely benign. Review status: criteria provided, multiple submitters, no conflicts (2 of 4 stars). 3 submissions from 3 submitters: Likely benign (3). Last evaluated 2025-04-01.

Allele frequency attached by ClinVar (database versions not stated): gnomAD exomes 0.00006 and 0.00008; gnomAD 0.00008 and 0.00009; TOPMed 0.00009; ExAC 0.00011.
gnomAD v4.1: 94 of 1,490,352 alleles (0.0063%); highest among the groups gnomAD compares: Non-Finnish European, 0.008%; no homozygotes.

Submissions (3):

CeGaT Center for Human Genetics Tuebingen
Classification: Likely benign. Last evaluated: 2025-04-01. Review status: criteria provided, single submitter. Criteria: CeGaT Center For Human Genetics Tuebingen Variant Classification Criteria Version 2. Collection method: clinical testing. Allele origin: germline. Affected: yes. Observed: 1 variant allele.
Comment: GRIA1: BP4, BP7

Blueprint Genetics
Classification: Likely benign. Last evaluated: 2024-08-19. Review status: criteria provided, single submitter. Criteria: ACMG Guidelines, 2015. Collection method: clinical testing. Allele origin: germline.

Labcorp Genetics (formerly Invitae), Labcorp
Classification: Likely benign. Last evaluated: 2018-05-31. Review status: criteria provided, single submitter. Criteria: Invitae Variant Classification Sherloc (09022015). Collection method: clinical testing. Allele origin: germline.

NM_000827.4(GRIA1):c.870T>C (p.Ser290=)

Gene: GRIA1 (glutamate ionotropic receptor AMPA type subunit 1; plus strand). Cytogenetic location: 5q33.2.
Variant type: single nucleotide variant.
Coding change: c.870T>C on transcript NM_000827.4 (MANE Select); coding-DNA position 870, T replaced by C.
Protein change: p.Ser290=; no amino-acid change (serine 290 retained).
Molecular consequence: synonymous variant. On other transcripts: non-coding transcript variant (2), intron variant (1).
Genome position (GRCh38, 1-based): chr5:153,677,002, T>C. VCF-style: chr5-153677002-T-C. GRCh37 (hg19) VCF-style: chr5-153056562-T-C.
Other names: c.870T>C, p.Ser290= (NM_001114183.2); c.630T>C, p.Ser210= (NM_001258019.2); c.585T>C, p.Ser195= (NM_001258020.2); c.900T>C, p.Ser300= (NM_001258021.2, NM_001258022.2); c.663T>C, p.Ser221= (NM_001258023.1, NM_001364167.2); c.897T>C, p.Ser299= (NM_001364166.2); c.861+2341T>C (NM_001364165.2).
Identifiers: ClinVar variation 744849 (VCV000744849.11), dbSNP rs200078037, ClinGen allele CA3524452.